The following is an entry in ClinVar:

ClinVar aggregate classification (germline): Likely benign (1 of 4 stars; one submission).

gnomAD v4.1: 3 of 1,602,984 alleles (0.00019%); highest among the groups gnomAD compares: Admixed American, 0.005%; no homozygotes.

Submission:

CeGaT Center for Human Genetics Tuebingen
Classification: Likely benign. Last evaluated: 2026-07-01. Review status: criteria provided, single submitter. Criteria: CeGaT Center For Human Genetics Tuebingen Variant Classification Criteria Version 2. Collection method: clinical testing. Allele origin: germline. Affected: yes. Observed: 1 variant allele.
Comment: CPE: BP4, BP7

NM_001873.4(CPE):c.255C>T (p.Gly85=)

Gene: CPE (carboxypeptidase E; plus strand). Cytogenetic location: 4q32.3.
Variant type: single nucleotide variant.
Coding change: c.255C>T on transcript NM_001873.4 (MANE Select); coding-DNA position 255, C replaced by T.
Protein change: p.Gly85=; no amino-acid change (glycine 85 retained).
Molecular consequence: synonymous variant.
Genome position (GRCh38, 1-based): chr4:165,379,476, C>T. VCF-style: chr4-165379476-C-T. GRCh37 (hg19) VCF-style: chr4-166300628-C-T.
Identifiers: ClinVar variation 5039879 (VCV005039879.1).